The following is an entry in ClinVar:

ClinVar aggregate classification (germline): Uncertain significance. Review status: criteria provided, multiple submitters, no conflicts (2 of 4 stars). 3 submissions from 3 submitters: Uncertain significance (3). Last evaluated 2025-11-12.

Conditions:
Hereditary nonpolyposis colorectal neoplasms. Identifiers: MedGen C0009405, MeSH D003123.
Hereditary cancer-predisposing syndrome. Also called: Neoplastic Syndromes, Hereditary; Hereditary Cancer Syndrome; Tumor predisposition; Hereditary neoplastic syndrome. Identifiers: Orphanet 140162, MedGen C0027672, MeSH D009386, MONDO:0015356.

Submissions (3):

Ambry Genetics
Classification: Uncertain significance for Hereditary cancer-predisposing syndrome. Last evaluated: 2025-11-12. Review status: criteria provided, single submitter. Criteria: Ambry Variant Classification Scheme 2023. Collection method: clinical testing. Allele origin: germline.
Comment: The p.L832V variant (also known as c.2494C>G), located in coding exon 4 of the MSH6 gene, results from a C to G substitution at nucleotide position 2494. The leucine at codon 832 is replaced by valine, an amino acid with highly similar properties. This amino acid position is highly conserved in available vertebrate species. In addition, the in silico prediction for this alteration is inconclusive. Based on the available evidence, the clinical significance of this variant remains unclear.

Labcorp Genetics (formerly Invitae), Labcorp
Classification: Uncertain significance for Hereditary nonpolyposis colorectal neoplasms. Last evaluated: 2025-03-19. Review status: criteria provided, single submitter. Criteria: Invitae Variant Classification Sherloc (09022015). Collection method: clinical testing. Allele origin: germline.
Comment: This sequence change replaces leucine, which is neutral and non-polar, with valine, which is neutral and non-polar, at codon 832 of the MSH6 protein (p.Leu832Val). This variant is not present in population databases (gnomAD no frequency). This variant has not been reported in the literature in individuals affected with MSH6-related conditions. ClinVar contains an entry for this variant (Variation ID: 1039554). Invitae Evidence Modeling of protein sequence and biophysical properties (such as structural, functional, and spatial information, amino acid conservation, physicochemical variation, residue mobility, and thermodynamic stability) indicates that this missense variant is not expected to disrupt MSH6 protein function with a negative predictive value of 95%. In summary, the available evidence is currently insufficient to determine the role of this variant in disease. Therefore, it has been classified as a Variant of Uncertain Significance.

Color Diagnostics, LLC DBA Color Health
Classification: Uncertain significance for Hereditary cancer-predisposing syndrome. Last evaluated: 2024-03-07. Review status: criteria provided, single submitter. Criteria: ACMG Guidelines, 2015. Collection method: clinical testing. Allele origin: germline.
Comment: This missense variant replaces leucine with valine at codon 832 of the MSH6 protein. Computational prediction is inconclusive regarding the impact of this variant on protein structure and function (internally defined REVEL score threshold 0.5 < inconclusive < 0.7, PMID: 27666373). To our knowledge, functional studies have not been reported for this variant. This variant has not been reported in individuals affected with hereditary cancer in the literature. This variant has not been identified in the general population by the Genome Aggregation Database (gnomAD). The available evidence is insufficient to determine the role of this variant in disease conclusively. Therefore, this variant is classified as a Variant of Uncertain Significance.

NM_000179.3(MSH6):c.2494C>G (p.Leu832Val)

Gene: MSH6 (mutS homolog 6; plus strand). Cytogenetic location: 2p16.3.
Variant type: single nucleotide variant.
Coding change: c.2494C>G on transcript NM_000179.3 (MANE Select); coding-DNA position 2494, C replaced by G.
Protein change: p.Leu832Val; replaces leucine 832 with valine.
Molecular consequence: missense variant.
Genome position (GRCh38, 1-based): chr2:47,800,477, C>G. VCF-style: chr2-47800477-C-G. GRCh37 (hg19) VCF-style: chr2-48027616-C-G.
Other names: c.2104C>G, p.Leu702Val (NM_001281492.2); c.1588C>G, p.Leu530Val (NM_001281493.2, NM_001281494.2); short protein forms L832V, L530V, L702V.
Identifiers: ClinVar variation 1039554 (VCV001039554.15), dbSNP rs1057521330, ClinGen allele CA346754221.
Genomic context (GRCh38, chr2:47,800,477, plus strand): 5'-CTAAAGAAGCTTCCAGATCTTGAGAGGCTACTCAGTAAAATTCATAATGTTGGGTCTCCC[C>G]TGAAGAGTCAGAACCACCCAGACAGCAGGGCTATAATGTATGAAGAAACTACATACAGCA-3'
Protein context (NP_000170.1, residues 822-842): LSKIHNVGSP[Leu832Val]KSQNHPDSRA